The following is an entry in ClinVar:

ClinVar aggregate classification (germline): Benign/Likely benign. Review status: criteria provided, multiple submitters, no conflicts (2 of 4 stars). 14 submissions from 14 submitters: Benign (8); Likely benign (3). 3 of the submissions do not count toward it. Last evaluated 2026-02-03.

Conditions:
Cardiovascular phenotype. Identifiers: MedGen CN230736.
Desmin-related myofibrillar myopathy (MFM1). Also called: Desmin related myopathy (former name); Desmin storage myopathy (former name); Desminopathy; MYOFIBRILLAR MYOPATHY WITH ARRHYTHMOGENIC RIGHT VENTRICULAR CARDIOMYOPATHY; DESMIN-RELATED MYOPATHY WITH ARRHYTHMOGENIC RIGHT VENTRICULAR CARDIOMYOPATHY; Myofibrillar myopathy 1. Identifiers: Orphanet 363543, Orphanet 98909, MedGen C1832370, MONDO:0011076, OMIM 601419.

Allele frequency attached by ClinVar (database versions not stated): gnomAD exomes 0.00014 and 0.00048; ExAC 0.00160; gnomAD 0.00177 and 0.00189; ESP Exome Variant Server 0.00201; TOPMed 0.00203; 1000 Genomes Project 30x 0.00219; 1000 Genomes Project 0.00240.

Submissions (14):

Labcorp Genetics (formerly Invitae), Labcorp
Classification: Benign for Desmin-related myofibrillar myopathy. Last evaluated: 2026-02-03. Review status: criteria provided, single submitter. Criteria: Invitae Variant Classification Sherloc (09022015). Collection method: clinical testing. Allele origin: germline.

Molecular Diagnostic Laboratory for Inherited Cardiovascular Disease, Montreal Heart Institute
Classification: Benign. Last evaluated: 2025-04-09. Review status: criteria provided, single submitter. Criteria: ACMG Guidelines, 2015. Collection method: clinical testing. Allele origin: germline. Affected: no.

ARUP Laboratories, Molecular Genetics and Genomics, ARUP Laboratories
Classification: Benign. Last evaluated: 2025-04-08. Review status: criteria provided, single submitter. Criteria: ARUP Molecular Germline Variant Investigation Process 2024. Collection method: clinical testing. Allele origin: germline.

Athena Diagnostics
Classification: Benign. Last evaluated: 2023-11-16. Review status: criteria provided, single submitter. Criteria: Athena Diagnostics Criteria. Collection method: clinical testing. Allele origin: unknown.

Blueprint Genetics
Classification: Likely benign. Last evaluated: 2023-09-14. Review status: criteria provided, single submitter. Criteria: ACMG Guidelines, 2015. Collection method: clinical testing. Allele origin: germline.

Women's Health and Genetics/Laboratory Corporation of America, LabCorp
Classification: Benign. Last evaluated: 2022-05-07. Review status: criteria provided, single submitter. Criteria: LabCorp Variant Classification Summary - May 2015. Collection method: clinical testing. Allele origin: germline.

Ambry Genetics
Classification: Likely benign for Cardiovascular phenotype. Last evaluated: 2015-11-11. Review status: criteria provided, single submitter. Criteria: Ambry Variant Classification Scheme 2023. Collection method: clinical testing. Allele origin: germline.

GeneDx
Classification: Benign. Last evaluated: 2015-03-17. Review status: criteria provided, single submitter. Criteria: GeneDx Variant Classification (06012015). Collection method: clinical testing. Allele origin: germline. Affected: yes.
Comment: This variant is considered likely benign or benign based on one or more of the following criteria: it is a conservative change, it occurs at a poorly conserved position in the protein, it is predicted to be benign by multiple in silico algorithms, and/or has population frequency not consistent with disease.

Eurofins Ntd Llc (ga)
Classification: Benign. Last evaluated: 2014-12-16. Review status: criteria provided, single submitter. Criteria: EGL Classification Definitions 2015. Collection method: clinical testing. Allele origin: germline. Observed: 1 variant allele, 1 heterozygote.

Laboratory for Molecular Medicine, Mass General Brigham Personalized Medicine
Classification: Benign. Last evaluated: 2010-12-17. Review status: criteria provided, single submitter. Criteria: LMM Criteria. Collection method: clinical testing. Allele origin: germline. Observed: 5 variant alleles.
Comment: Glu108Glu in Exon 01 of DES: This variant is not expected to have clinical signi ficance because it does not alter an amino acid residue, is not located within t he splice consensus sequence and has been identified in 0.5% (20/3706) of Africa n American chromosomes from a broad population by the NHLBI Exome Sequencing Pro ject (dbSNP rs138677215).

PreventionGenetics, part of Exact Sciences
Classification: Likely benign. Review status: criteria provided, single submitter. Criteria: ACMG Guidelines, 2015. Collection method: clinical testing. Allele origin: germline.

Clinical Genetics DNA and cytogenetics Diagnostics Lab, Erasmus MC, Erasmus Medical Center
Classification: Likely benign. Review status: no assertion criteria provided. Collection method: clinical testing. Allele origin: germline. Affected: yes. Study: VKGL Data-share Consensus. Not counted in ClinVar's aggregate classification.

Clinical Genetics, Academic Medical Center
Classification: Benign. Review status: no assertion criteria provided. Collection method: clinical testing. Allele origin: germline. Affected: yes. Study: VKGL Data-share Consensus. Not counted in ClinVar's aggregate classification.

Diagnostic Laboratory, Department of Genetics, University Medical Center Groningen
Classification: Likely benign. Review status: no assertion criteria provided. Collection method: clinical testing. Allele origin: germline. Affected: yes. Study: VKGL Data-share Consensus. Not counted in ClinVar's aggregate classification.

Literature cited by the submitters: PubMed 18338380 (cited by Athena Diagnostics); PubMed 28569743 (cited by Athena Diagnostics).

NM_001927.4(DES):c.324G>A (p.Glu108=)

Gene: DES (desmin; plus strand). Cytogenetic location: 2q35.
Variant type: single nucleotide variant.
Coding change: c.324G>A on transcript NM_001927.4 (MANE Select); coding-DNA position 324, G replaced by A.
Protein change: p.Glu108=; no amino-acid change (glutamic acid 108 retained).
Molecular consequence: synonymous variant.
Genome position (GRCh38, 1-based): chr2:219,418,786, G>A. VCF-style: chr2-219418786-G-A. GRCh37 (hg19) VCF-style: chr2-220283508-G-A.
Other names: p.E108E:GAG>GAA.
Identifiers: ClinVar variation 137077 (VCV000137077.42), dbSNP rs138677215, ClinGen allele CA180958.